The following is an entry in ClinVar:

NM_001329214.4(MIA2):c.3081A>G (p.Glu1027=)

Gene: MIA2 (MIA SH3 domain ER export factor 2; plus strand). Cytogenetic location: 14q21.1.
Variant type: single nucleotide variant.
Coding change: c.3081A>G on transcript NM_001329214.4 (MANE Select); coding-DNA position 3081, A replaced by G.
Protein change: p.Glu1027=; no amino-acid change (glutamic acid 1027 retained).
Molecular consequence: synonymous variant. On other transcripts: non-coding transcript variant (3).
Genome position (GRCh38, 1-based): chr14:39,313,403, A>G. VCF-style: chr14-39313403-A-G. GRCh37 (hg19) VCF-style: chr14-39782607-A-G.
Other names: c.1170A>G, p.Glu390= (NM_001247988.1, NM_001354137.2, NM_001354138.1 and 3 more transcripts); c.1272A>G, p.Glu424= (NM_001247989.2); c.1032A>G, p.Glu344= (NM_001247990.2); c.1017A>G, p.Glu339= (NM_001354140.2, NM_001354141.2, NM_001354142.1 and 3 more transcripts); c.1221A>G, p.Glu407= (NM_001354146.2, NM_203354.3); c.1092A>G, p.Glu364= (NM_001354147.1, NM_001354149.1); c.1239A>G, p.Glu413= (NM_001354150.2); c.1284A>G, p.Glu428= (NM_001354151.2, NM_001354152.3); and 3 more.
Identifiers: ClinVar variation 2644194 (VCV002644194.24), dbSNP rs761000357, ClinGen allele CA7164479.

ClinVar aggregate classification (germline): Likely benign (1 of 4 stars; one submission).

Allele frequency attached by ClinVar (database versions not stated): gnomAD exomes below 0.00001; ExAC 0.00001.
gnomAD v4.1: 2 of 1,604,318 alleles (0.00012%); highest among the groups gnomAD compares: African/African-American, 0.0013%; no homozygotes.

Submission:

CeGaT Center for Human Genetics Tuebingen
Classification: Likely benign. Last evaluated: 2022-07-01. Review status: criteria provided, single submitter. Criteria: CeGaT Center For Human Genetics Tuebingen Variant Classification Criteria Version 2. Collection method: clinical testing. Allele origin: germline. Affected: yes. Observed: 1 variant allele.
Comment: MIA2: BP4, BP7